The following is an entry in ClinVar:

ClinVar aggregate classification (germline): Uncertain significance (1 of 4 stars; one submission).

Conditions:
Inflammatory bowel disease 28. Also called: Inflammatory bowel disease 28, early onset, autosomal recessive. Identifiers: Orphanet 238569, MedGen C2751053, MONDO:0013153, OMIM 613148.

gnomAD v4.1: 6 of 1,614,192 alleles (0.00037%); highest among the groups gnomAD compares: East Asian, 0.013%; no homozygotes.

Submission:

Labcorp Genetics (formerly Invitae), Labcorp
Classification: Uncertain significance for Inflammatory bowel disease 28. Last evaluated: 2025-09-15. Review status: criteria provided, single submitter. Criteria: Invitae Variant Classification Sherloc (09022015). Collection method: clinical testing. Allele origin: germline.
Comment: This sequence change replaces proline, which is neutral and non-polar, with alanine, which is neutral and non-polar, at codon 29 of the IL10RA protein (p.Pro29Ala). This variant is present in population databases (rs201980658, gnomAD 0.03%). This variant has not been reported in the literature in individuals affected with IL10RA-related conditions. ClinVar contains an entry for this variant (Variation ID: 3669672). Invitae Evidence Modeling of protein sequence and biophysical properties (such as structural, functional, and spatial information, amino acid conservation, physicochemical variation, residue mobility, and thermodynamic stability) indicates that this missense variant is expected to disrupt IL10RA protein function with a positive predictive value of 80%. In summary, the available evidence is currently insufficient to determine the role of this variant in disease. Therefore, it has been classified as a Variant of Uncertain Significance.

NM_001558.4(IL10RA):c.85C>G (p.Pro29Ala)

Gene: IL10RA (interleukin 10 receptor subunit alpha; plus strand). Cytogenetic location: 11q23.3.
Variant type: single nucleotide variant.
Coding change: c.85C>G on transcript NM_001558.4 (MANE Select); coding-DNA position 85, C replaced by G.
Protein change: p.Pro29Ala; replaces proline 29 with alanine.
Molecular consequence: missense variant. On other transcripts: non-coding transcript variant (1).
Genome position (GRCh38, 1-based): chr11:117,988,399, C>G. VCF-style: chr11-117988399-C-G. GRCh37 (hg19) VCF-style: chr11-117859114-C-G.
Other names: short protein forms P29A.
Identifiers: ClinVar variation 3669672 (VCV003669672.2).
Genomic context (GRCh38, chr11:117,988,399, plus strand): 5'-CTGCCCCCCCTCCCAGCTGTGGTACTGACACTCTTCTCCCCAGGGACAGAGCTGCCCAGC[C>G]CTCCGTCTGTGTGGTTTGAAGCAGAATTTTTCCACCACATCCTCCACTGGACACCCATCC-3'
Protein context (NP_001549.2, residues 19-39): SDAHGTELPS[Pro29Ala]PSVWFEAEFF